The following is an entry in ClinVar:

NM_000064.4(C3):c.2819A>G (p.Lys940Arg)

Gene: C3 (complement C3; minus strand). Cytogenetic location: 19p13.3.
Variant type: single nucleotide variant.
Coding change: c.2819A>G on transcript NM_000064.4 (MANE Select); coding-DNA position 2819, A replaced by G.
Protein change: p.Lys940Arg; replaces lysine 940 with arginine.
Molecular consequence: missense variant.
Genome position (GRCh38, 1-based): chr19:6,696,637, T>C on the plus strand (A>G on the coding strand, the complement: C3 is on the minus strand). VCF-style: chr19-6696637-T-C. GRCh37 (hg19) VCF-style: chr19-6696648-T-C.
Other names: short protein forms K940R.
Identifiers: ClinVar variation 3725398 (VCV003725398.2).

ClinVar aggregate classification (germline): Uncertain significance (1 of 4 stars; one submission).

Submission:

Labcorp Genetics (formerly Invitae), Labcorp
Classification: Uncertain significance. Last evaluated: 2024-11-16. Review status: criteria provided, single submitter. Criteria: Invitae Variant Classification Sherloc (09022015). Collection method: clinical testing. Allele origin: germline.
Comment: This sequence change replaces lysine, which is basic and polar, with arginine, which is basic and polar, at codon 940 of the C3 protein (p.Lys940Arg). This variant is not present in population databases (gnomAD no frequency). This variant has not been reported in the literature in individuals affected with C3-related conditions. An algorithm developed to predict the effect of missense changes on protein structure and function (PolyPhen-2) suggests that this variant is likely to be tolerated. In summary, the available evidence is currently insufficient to determine the role of this variant in disease. Therefore, it has been classified as a Variant of Uncertain Significance.